The following is an entry in ClinVar:

NM_013275.6(ANKRD11):c.6014del (p.Pro2005fs)

Gene: ANKRD11 (ankyrin repeat domain 11; minus strand). Cytogenetic location: 16q24.3.
Variant type: Deletion.
Coding change: c.6014del on transcript NM_013275.6 (MANE Select); coding-DNA position 6014, one base deleted (C; older notation c.6014delC).
Protein change: p.Pro2005fs; shifts the reading frame from proline 2005.
Molecular consequence: frameshift variant.
Genome position (GRCh38, 1-based): chr16:89,280,528, G deleted on the plus strand (C on the coding strand, the reverse complement: ANKRD11 is on the minus strand); the first of 4 consecutive G bases (chr16:89,280,528-89,280,531); deleting any one gives the same sequence. VCF-style (leftmost placement, unchanged base first): chr16-89280527-TG-T. GRCh37 (hg19) VCF-style: chr16-89346935-TG-T.
Other names: c.6014del, p.Pro2005fs (NM_001256182.2, NM_001256183.2); short protein forms P2005fs.
Identifiers: ClinVar variation 3387766 (VCV003387766.4).

ClinVar aggregate classification (germline): Pathogenic. Review status: criteria provided, multiple submitters, no conflicts (2 of 4 stars). 2 submissions from 2 submitters: Pathogenic (2). Last evaluated 2026-06-01.

Conditions:
KBG syndrome (KBGS). Also called: ANKRD11-Related KBG Syndrome. Identifiers: Orphanet 2332, MedGen C0220687, MONDO:0007846, OMIM 148050.

Submissions (2):

CeGaT Center for Human Genetics Tuebingen
Classification: Pathogenic. Last evaluated: 2026-06-01. Review status: criteria provided, single submitter. Criteria: CeGaT Center For Human Genetics Tuebingen Variant Classification Criteria Version 2. Collection method: clinical testing. Allele origin: germline. Affected: yes. Observed: 1 variant allele.
Comment: ANKRD11: PVS1, PM2

Molecular Genetics Laboratory, Motol Hospital
Classification: Pathogenic for KBG syndrome. Last evaluated: 2024-12-13. Review status: criteria provided, single submitter. Criteria: ACMG Guidelines, 2015. Collection method: clinical testing. Allele origin: de novo. Affected: yes. Observed: 1 variant allele.
Comment: The variant was confirmed to be of a de novo origin. Rare truncating variants affecting the ANKRD11 gene are documented as a molecular cause of "KBG syndrome" (KBGS; OMIM:148050; PMID:15378538;21782149;15384099;1218237). To conclude, the variant is classified as pathogenic (ACMG PVS1, PM2, PS2).

Literature cited by the submitters: PubMed 15378538 (cited by Molecular Genetics Laboratory, Motol Hospital); PubMed 21782149 (cited by Molecular Genetics Laboratory, Motol Hospital); PubMed 15384099 (cited by Molecular Genetics Laboratory, Motol Hospital); PubMed 1218237 (cited by Molecular Genetics Laboratory, Motol Hospital).